The following is an entry in ClinVar:

NM_020312.4(COQ9):c.*411C>T

Gene: COQ9 (coenzyme Q9; plus strand). Cytogenetic location: 16q21.
Variant type: single nucleotide variant.
Coding change: c.*411C>T on transcript NM_020312.4 (MANE Select); 411 bases downstream of the stop codon, C replaced by T.
Molecular consequence: 3 prime UTR variant.
Genome position (GRCh38, 1-based): chr16:57,461,035, C>T. VCF-style: chr16-57461035-C-T. GRCh37 (hg19) VCF-style: chr16-57494947-C-T.
Identifiers: ClinVar variation 886724 (VCV000886724.5), dbSNP rs112075830, ClinGen allele CA281554289.
Genomic context (GRCh38, chr16:57,461,035, plus strand): 5'-CCTTAACCTTGGGGCTCCCAAGCCAGAGTCAAGGTCTGACGCCACCTCAAGGTGACAGCT[C>T]ATCTCCAGCACAGCACAGGCGTGTGCACACAGAGGTGTTCCTTGCAGCCCCCTCCCTCTC-3'

ClinVar aggregate classification (germline): Benign. Review status: criteria provided, multiple submitters, no conflicts (2 of 4 stars). 2 submissions from 2 submitters: Benign (2). Last evaluated 2017-10-13.

Conditions:
Encephalopathy-hypertrophic cardiomyopathy-renal tubular disease syndrome. Identifiers: Orphanet 319678, MedGen C3553374, MONDO:0013840, OMIM 614654.

Allele frequency attached by ClinVar (database versions not stated): gnomAD exomes 0.00201; gnomAD 0.01745 and 0.01875; 1000 Genomes Project 0.01817; TOPMed 0.01900; 1000 Genomes Project 30x 0.01936.
gnomAD v4.1: 3,093 of 376,970 alleles (0.82%); highest among the groups gnomAD compares: African/African-American, 6%; 103 homozygotes.

Submissions (2):

Illumina Laboratory Services, Illumina
Classification: Benign for Encephalopathy-hypertrophic cardiomyopathy-renal tubular disease syndrome. Last evaluated: 2017-10-13. Review status: criteria provided, single submitter. Criteria: ICSL Variant Classification Criteria 13 December 2019. Collection method: clinical testing. Allele origin: germline.
Comment: This variant was observed as part of a predisposition screen in an ostensibly healthy population. A literature search was performed for the gene, cDNA change, and amino acid change (where applicable). No publications were found based on this search. Allele frequency data from public databases was too high to be consistent with this variant causing disease. Therefore, this variant is classified as benign.

Breakthrough Genomics
Classification: Benign. Review status: criteria provided, single submitter. Criteria: ACMG Guidelines, 2015. Collection method: not provided. Allele origin: germline. Inheritance: Autosomal recessive inheritance. Affected: yes.